The following is an entry in ClinVar:

ClinVar aggregate classification (germline): Pathogenic. Review status: criteria provided, multiple submitters, no conflicts (2 of 4 stars). 2 submissions from 2 submitters: Pathogenic (2). Last evaluated 2026-02-16.

Conditions:
Autosomal recessive ataxia, Beauce type. Also called: ATAXIA, RECESSIVE, OF BEAUCE; Spinocerebellar ataxia, autosomal recessive 8; SYNE1-Related Autosomal Recessive Cerebellar Ataxia; SYNE1 Deficiency. Identifiers: Orphanet 88644, MedGen C1853116, MONDO:0012549, OMIM 610743.

gnomAD v4.1: 2 of 1,614,036 alleles (0.00012%); highest among the groups gnomAD compares: East Asian, 0.0022%; no homozygotes.

Submissions (2):

Women's Health and Genetics/Laboratory Corporation of America, LabCorp
Classification: Pathogenic for Autosomal recessive ataxia, Beauce type. Last evaluated: 2026-02-16. Review status: criteria provided, single submitter. Criteria: LabCorp Variant Classification Summary - May 2015. Collection method: clinical testing. Allele origin: germline.
Comment: Variant summary: SYNE1 c.4630C>T (p.Arg1544X) results in a premature termination codon, predicted to cause a truncation of the encoded protein or absence of the protein due to nonsense mediated decay, which are commonly known mechanisms for disease. The variant was absent in 251334 control chromosomes. c.4630C>T has been observed in a homozygous individual affected with Autosomal recessive ataxia, Beauce type (Galatolo_2021). These data indicate that the variant is very likely to be associated with disease. To our knowledge, no experimental evidence demonstrating an impact on protein function has been reported. The following publication have been ascertained in the context of this evaluation (PMID: 34445196). ClinVar contains an entry for this variant (Variation ID: 1027482). Based on the evidence outlined above, the variant was classified as pathogenic.

Molecular Medicine for Neurodegenerative and Neuromuscular Diseases Unit, IRCCS Fondazione Stella Maris
Classification: Pathogenic for Autosomal recessive ataxia, Beauce type. Last evaluated: 2021-01-04. Review status: criteria provided, single submitter. Criteria: ACMG Guidelines, 2015. Collection method: research. Allele origin: inherited. Affected: yes.

Literature cited by the submitters: PubMed 34445196 (cited by Women's Health and Genetics/Laboratory Corporation of America, LabCorp).

NM_182961.4(SYNE1):c.4609C>T (p.Arg1537Ter)

Gene: SYNE1 (spectrin repeat containing nuclear envelope protein 1; minus strand). Cytogenetic location: 6q25.2.
Variant type: single nucleotide variant.
Coding change: c.4609C>T on transcript NM_182961.4 (MANE Select); coding-DNA position 4609, C replaced by T.
Protein change: p.Arg1537Ter; replaces arginine 1537 with a stop codon.
Molecular consequence: nonsense.
Genome position (GRCh38, 1-based): chr6:152,430,562, G>A on the plus strand (C>T on the coding strand, the complement: SYNE1 is on the minus strand). VCF-style: chr6-152430562-G-A. GRCh37 (hg19) VCF-style: chr6-152751697-G-A.
Other names: c.4630C>T, p.Arg1544Ter (NM_033071.5); short protein forms R1537*, R1544*.
Identifiers: ClinVar variation 1027482 (VCV001027482.2), dbSNP rs983431074, ClinGen allele CA366142532.
Genomic context (GRCh38, chr6:152,430,562, plus strand): 5'-ACTTTTGCTGCTGAGATAAATGTCCCAGGATTGTTCCTTCCAGACACTGTGCATGCTCTC[G>A]AAGCTCTTCCCCGTATCTTCTTATTTGTGTCAACTTGGCTTTAATTCGAGCAGATTCTCC-3'